The following is an entry in ClinVar:

NM_000492.4(CFTR):c.371G>A (p.Gly124Asp)

Gene: CFTR (CF transmembrane conductance regulator; plus strand). Cytogenetic location: 7q31.2.
Variant type: single nucleotide variant.
Coding change: c.371G>A on transcript NM_000492.4 (MANE Select); coding-DNA position 371, G replaced by A.
Protein change: p.Gly124Asp; replaces glycine 124 with aspartic acid.
Molecular consequence: missense variant.
Genome position (GRCh38, 1-based): chr7:117,530,996, G>A. VCF-style: chr7-117530996-G-A. GRCh37 (hg19) VCF-style: chr7-117171050-G-A.
Other names: short protein forms G124D.
Identifiers: ClinVar variation 1734278 (VCV001734278.3), dbSNP rs1237292560, ClinGen allele CA368974512.

ClinVar aggregate classification (germline): Uncertain significance (1 of 4 stars; one submission).

Conditions:
Cystic fibrosis (CF). Also called: MUCOVISCIDOSIS. Identifiers: Orphanet 586, MedGen C0010674, MONDO:0009061, OMIM 219700. Disease mechanism: loss of function.

Allele frequency attached by ClinVar (database versions not stated): gnomAD exomes below 0.00001.
gnomAD v4.1: 1 of 1,613,688 alleles (0.000062%); highest among the groups gnomAD compares: African/African-American, 0.0013%; no homozygotes.

Submission:

Ambry Genetics
Classification: Uncertain significance for Cystic fibrosis. Last evaluated: 2023-02-09. Review status: criteria provided, single submitter. Criteria: Ambry Variant Classification Scheme 2023. Collection method: clinical testing. Allele origin: germline.
Comment: The p.G124D variant (also known as c.371G>A), located in coding exon 4 of the CFTR gene, results from a G to A substitution at nucleotide position 371. The glycine at codon 124 is replaced by aspartic acid, an amino acid with similar properties. This amino acid position is not well conserved in available vertebrate species. In addition, the in silico prediction for this alteration is inconclusive. Since supporting evidence is limited at this time, the clinical significance of this alteration remains unclear.